The following is an entry in ClinVar:

NM_016122.3(CEP83):c.318A>G (p.Lys106=)

Gene: CEP83 (centrosomal protein 83; minus strand). Cytogenetic location: 12q22.
Variant type: single nucleotide variant.
Coding change: c.318A>G on transcript NM_016122.3 (MANE Select); coding-DNA position 318, A replaced by G.
Protein change: p.Lys106=; no amino-acid change (lysine 106 retained).
Molecular consequence: synonymous variant. On other transcripts: non-coding transcript variant (3).
Genome position (GRCh38, 1-based): chr12:94,411,703, T>C on the plus strand (A>G on the coding strand, the complement: CEP83 is on the minus strand). VCF-style: chr12-94411703-T-C. GRCh37 (hg19) VCF-style: chr12-94805479-T-C.
Other names: p.Lys106=; c.318A>G, p.Lys106= (NM_001042399.2, NM_001346457.2, NM_001346460.2 and 4 more transcripts); c.6A>G, p.Lys2= (NM_001346458.2, NM_001346459.2, NM_001346462.2 and 3 more transcripts).
Identifiers: ClinVar variation 1110937 (VCV001110937.11), dbSNP rs201068376, ClinGen allele CA6721993.

ClinVar aggregate classification (germline): Likely benign. Review status: criteria provided, multiple submitters, no conflicts (2 of 4 stars). 3 submissions from 3 submitters: Likely benign (3). Last evaluated 2025-03-27.

Conditions:
Nephronophthisis 18 (NPHP18). Identifiers: Orphanet 655, MedGen C3890591, MONDO:0014374, OMIM 615862.

Allele frequency attached by ClinVar (database versions not stated): gnomAD 0.00001; gnomAD exomes 0.00001 and 0.00002; ExAC 0.00002.
gnomAD v4.1: 18 of 1,597,250 alleles (0.0011%); highest among the groups gnomAD compares: Middle Eastern, 0.033%; no homozygotes.

Submissions (3):

Mayo Clinic Laboratories, Mayo Clinic
Classification: Likely benign. Last evaluated: 2025-03-27. Review status: criteria provided, single submitter. Criteria: ACMG Guidelines, 2015. Collection method: clinical testing. Allele origin: germline. Observed: 1 variant allele.
Comment: BP4, BP7

Blueprint Genetics
Classification: Likely benign. Last evaluated: 2024-04-03. Review status: criteria provided, single submitter. Criteria: ACMG Guidelines, 2015. Collection method: clinical testing. Allele origin: germline.

Labcorp Genetics (formerly Invitae), Labcorp
Classification: Likely benign for Nephronophthisis 18. Last evaluated: 2022-02-24. Review status: criteria provided, single submitter. Criteria: Invitae Variant Classification Sherloc (09022015). Collection method: clinical testing. Allele origin: germline.